The following is an entry in ClinVar:

NM_001018113.3(FANCB):c.49T>C (p.Cys17Arg)

Gene: FANCB (FA complementation group B; minus strand). Cytogenetic location: Xp22.2.
Variant type: single nucleotide variant.
Coding change: c.49T>C on transcript NM_001018113.3 (MANE Select); coding-DNA position 49, T replaced by C.
Protein change: p.Cys17Arg; replaces cysteine 17 with arginine.
Molecular consequence: missense variant. On other transcripts: non-coding transcript variant (1).
Genome position (GRCh38, 1-based): chrX:14,865,462, A>G on the plus strand (T>C on the coding strand, the complement: FANCB is on the minus strand). VCF-style: chrX-14865462-A-G. GRCh37 (hg19) VCF-style: chrX-14883584-A-G.
Other names: c.49T>C, p.Cys17Arg (NM_001324162.2, NM_001410764.1, NM_152633.4); short protein forms C17R.
Identifiers: ClinVar variation 2884190 (VCV002884190.3), dbSNP rs2519014296, ClinGen allele CA412445404.
Genomic context (GRCh38, chrX:14,865,462, plus strand): 5'-GCTCTTTATCTGCAAAATTTCCTTTAGACAACTGGAAAACAAGGACTTCCCCATTATAAC[A>G]CAAGAGCCTTTCTTGTTCGTTAGATGACATTGCTTGTTTGCTAGTCATTCCACAATATCA-3'
Protein context (NP_001018123.1, residues 7-27): MSSNEQERLL[Cys17Arg]YNGEVLVFQL

ClinVar aggregate classification (germline): Uncertain significance (1 of 4 stars; one submission).

Conditions:
Fanconi anemia (FA). Also called: Fanconi's anemia. Identifiers: Orphanet 84, MedGen C0015625, MeSH D005199, MONDO:0019391.

Submission:

Labcorp Genetics (formerly Invitae), Labcorp
Classification: Uncertain significance for Fanconi anemia. Last evaluated: 2023-12-02. Review status: criteria provided, single submitter. Criteria: Invitae Variant Classification Sherloc (09022015). Collection method: clinical testing. Allele origin: germline.
Comment: This sequence change replaces cysteine, which is neutral and slightly polar, with arginine, which is basic and polar, at codon 17 of the FANCB protein (p.Cys17Arg). This variant is not present in population databases (gnomAD no frequency). This variant has not been reported in the literature in individuals affected with FANCB-related conditions. Advanced modeling of protein sequence and biophysical properties (such as structural, functional, and spatial information, amino acid conservation, physicochemical variation, residue mobility, and thermodynamic stability) performed at Invitae indicates that this missense variant is expected to disrupt FANCB protein function with a positive predictive value of 80%. In summary, the available evidence is currently insufficient to determine the role of this variant in disease. Therefore, it has been classified as a Variant of Uncertain Significance.